The following is an entry in ClinVar:

NM_002017.5(FLI1):c.530G>A (p.Arg177His)

Gene: FLI1 (Fli-1 proto-oncogene, ETS transcription factor; plus strand). Cytogenetic location: 11q24.3.
Variant type: single nucleotide variant.
Coding change: c.530G>A on transcript NM_002017.5 (MANE Select); coding-DNA position 530, G replaced by A.
Protein change: p.Arg177His; replaces arginine 177 with histidine.
Molecular consequence: missense variant. On other transcripts: intron variant (1).
Genome position (GRCh38, 1-based): chr11:128,772,926, G>A. VCF-style: chr11-128772926-G-A. GRCh37 (hg19) VCF-style: chr11-128642821-G-A.
Other names: c.431G>A, p.Arg144His (NM_001167681.3); c.332G>A, p.Arg111His (NM_001271010.2); c.11-9032G>A (NM_001271012.2); short protein forms R144H, R177H, R111H.
Identifiers: ClinVar variation 2208588 (VCV002208588.6), dbSNP rs370316451, ClinGen allele CA6357145.
Genomic context (GRCh38, chr11:128,772,926, plus strand): 5'-CCTTTTTCCAGAACATGGATGGCAAGGAACTGTGTAAAATGAACAAGGAGGACTTCCTCC[G>A]CGCCACCACCCTCTACAACACGGAAGTGCTGTTGTCACACCTCAGTTACCTCAGGGAAAG-3'
Protein context (NP_002008.2, residues 167-187): LCKMNKEDFL[Arg177His]ATTLYNTEVL

ClinVar aggregate classification (germline): Uncertain significance. Review status: criteria provided, multiple submitters, no conflicts (2 of 4 stars). 2 submissions from 2 submitters: Uncertain significance (2). Last evaluated 2025-06-03.

Conditions:
Inborn genetic diseases. Identifiers: MedGen C0950123, MeSH D030342.

Allele frequency attached by ClinVar (database versions not stated): gnomAD 0.00001; ExAC 0.00004.
gnomAD v4.1: 39 of 1,613,902 alleles (0.0024%); highest among the groups gnomAD compares: East Asian, 0.0067%; no homozygotes.

Submissions (2):

Ambry Genetics
Classification: Uncertain significance for Inborn genetic diseases. Last evaluated: 2025-06-03. Review status: criteria provided, single submitter. Criteria: Ambry Variant Classification Scheme 2023. Collection method: clinical testing. Allele origin: germline.

Labcorp Genetics (formerly Invitae), Labcorp
Classification: Uncertain significance. Last evaluated: 2023-12-28. Review status: criteria provided, single submitter. Criteria: Invitae Variant Classification Sherloc (09022015). Collection method: clinical testing. Allele origin: germline.
Comment: This sequence change replaces arginine, which is basic and polar, with histidine, which is basic and polar, at codon 177 of the FLI1 protein (p.Arg177His). This variant is present in population databases (rs370316451, gnomAD 0.01%). This variant has not been reported in the literature in individuals affected with FLI1-related conditions. ClinVar contains an entry for this variant (Variation ID: 2208588). Advanced modeling of protein sequence and biophysical properties (such as structural, functional, and spatial information, amino acid conservation, physicochemical variation, residue mobility, and thermodynamic stability) performed at Invitae indicates that this missense variant is not expected to disrupt FLI1 protein function with a negative predictive value of 80%. In summary, the available evidence is currently insufficient to determine the role of this variant in disease. Therefore, it has been classified as a Variant of Uncertain Significance.